The following is an entry in ClinVar:

ClinVar aggregate classification (germline): Benign. Review status: criteria provided, multiple submitters, no conflicts (2 of 4 stars). 8 submissions from 8 submitters: Benign (5). 3 of the submissions do not count toward it. Last evaluated 2023-11-12.

Conditions:
Ataxia-telangiectasia syndrome (AT). Also called: Ataxia telangiectasia (A-T); ATAXIA-TELANGIECTASIA, COMPLEMENTATION GROUP A; ATAXIA-TELANGIECTASIA, FRESNO VARIANT; Ataxia-telangiectasia, complementation group D; AT, COMPLEMENTATION GROUP C; Ataxia-telangiectasia, complementation group E. Identifiers: Orphanet 100, MedGen C0004135, MONDO:0008840, OMIM 208900.
Hereditary breast ovarian cancer syndrome. Also called: Hereditary breast and ovarian cancer syndrome; Hereditary breast and/or ovarian cancer syndrome; BRCA1- and BRCA2-Associated Hereditary Breast and Ovarian Cancer; Hereditary breast and ovarian cancer syndrome (HBOC); Breast and ovarian cancer; Hereditary breast and ovarian cancer. Identifiers: Orphanet 145, MedGen C0677776, MeSH D061325, MONDO:0003582. Disease mechanism: loss of function.

Allele frequency attached by ClinVar (database versions not stated): 1000 Genomes Project 30x 0.47314; 1000 Genomes Project 0.47644; ESP Exome Variant Server 0.47918; TOPMed 0.48107; gnomAD 0.48759 and 0.49267; gnomAD exomes 0.55633.
gnomAD v4.1: 774,802 of 1,410,390 alleles (55%); highest among the groups gnomAD compares: Middle Eastern, 72%; 217,313 homozygotes.

Submissions (8):

Unidad de Genómica Garrahan, Hospital de Pediatría Garrahan
Classification: Benign. Last evaluated: 2023-11-12. Review status: criteria provided, single submitter. Criteria: ACMG Guidelines, 2015. Collection method: clinical testing. Allele origin: germline. Affected: no. Observed: 60 variant alleles.
Comment: This variant is classified as Benign based on local population frequency. This variant was detected in 63% of patients studied by a panel of primary immunodeficiencies. Number of patients: 60. Only high quality variants are reported.

National Health Laboratory Service, Universitas Academic Hospital and University of the Free State
Classification: Benign for Hereditary breast ovarian cancer syndrome. Last evaluated: 2022-04-19. Review status: criteria provided, single submitter. Criteria: ACMG Guidelines, 2015. Collection method: clinical testing. Allele origin: germline. Affected: yes. Observed: 124 variant alleles.

Genome-Nilou Lab
Classification: Benign for Ataxia-telangiectasia syndrome. Last evaluated: 2021-07-01. Review status: criteria provided, single submitter. Criteria: ACMG Guidelines, 2015. Collection method: clinical testing. Allele origin: germline. Affected: no.

GeneDx
Classification: Benign. Last evaluated: 2015-03-03. Review status: criteria provided, single submitter. Criteria: GeneDx Variant Classification Process June 2021. Collection method: clinical testing. Allele origin: germline. Affected: yes.

Breakthrough Genomics
Classification: Benign. Review status: criteria provided, single submitter. Criteria: ACMG Guidelines, 2015. Collection method: not provided. Allele origin: germline. Inheritance: Autosomal recessive inheritance. Affected: yes.

Clinical Genetics Laboratory, Department of Pathology, Netherlands Cancer Institute
Classification: Benign. Review status: no assertion criteria provided. Collection method: clinical testing. Allele origin: germline. Affected: yes. Study: VKGL Data-share Consensus. Not counted in ClinVar's aggregate classification.

Genome Diagnostics Laboratory, University Medical Center Utrecht
Classification: Benign. Review status: no assertion criteria provided. Collection method: clinical testing. Allele origin: germline. Affected: yes. Study: VKGL Data-share Consensus. Not counted in ClinVar's aggregate classification.

Joint Genome Diagnostic Labs from Nijmegen and Maastricht, Radboudumc and MUMC+
Classification: Benign. Review status: no assertion criteria provided. Collection method: clinical testing. Allele origin: germline. Affected: yes. Study: VKGL Data-share Consensus. Not counted in ClinVar's aggregate classification.

NM_000051.4(ATM):c.2377-56A>G

Gene: ATM (ATM serine/threonine kinase; plus strand). Cytogenetic location: 11q22.3.
Variant type: single nucleotide variant.
Coding change: c.2377-56A>G on transcript NM_000051.4 (MANE Select); 56 bases into the intron before coding-DNA position 2377, A replaced by G.
Molecular consequence: intron variant.
Genome position (GRCh38, 1-based): chr11:108,258,930, A>G. VCF-style: chr11-108258930-A-G. GRCh37 (hg19) VCF-style: chr11-108129657-A-G.
Other names: c.2377-56A>G (NM_001351834.2).
Identifiers: ClinVar variation 1177614 (VCV001177614.10), dbSNP rs672655, ClinGen allele CA15683344.
Genomic context (GRCh38, chr11:108,258,930, plus strand): 5'-GGCCCTAATAGTAAACTATTTATCTACATTCCATTCAAGATAGAGAAAACACTGTCTGCC[A>G]AGAATAATTGTTTTTATTTCTTTGTTGCTTGGTTCTTTGTTTGTCTTAATTGCAGAAGAG-3'